The following is an entry in ClinVar:

NM_020533.3(MCOLN1):c.707G>T (p.Arg236Leu)

Gene: MCOLN1 (mucolipin TRP cation channel 1; plus strand). Cytogenetic location: 19p13.2.
Variant type: single nucleotide variant.
Coding change: c.707G>T on transcript NM_020533.3 (MANE Select); coding-DNA position 707, G replaced by T.
Protein change: p.Arg236Leu; replaces arginine 236 with leucine.
Molecular consequence: missense variant.
Genome position (GRCh38, 1-based): chr19:7,527,890, G>T. VCF-style: chr19-7527890-G-T. GRCh37 (hg19) VCF-style: chr19-7592776-G-T.
Other names: short protein forms R236L.
Identifiers: ClinVar variation 4747473 (VCV004747473.1).
Genomic context (GRCh38, chr19:7,527,890, plus strand): 5'-ACGCCCCTGACCCTCACCCGAGCCTCCTGCCTAGGCTGGTCAATGTCACCATCCACTTCC[G>T]GCTGAAGACCATTAACCTCCAGAGCCTCATCAATAATGAGATCCCGGACTGCTATACCTT-3'
Protein context (NP_065394.1, residues 226-246): HKLVNVTIHF[Arg236Leu]LKTINLQSLI

ClinVar aggregate classification (germline): Uncertain significance (1 of 4 stars; one submission).

Conditions:
Mucolipidosis type IV (ML4). Also called: ML IV. Identifiers: Orphanet 578, MedGen C0238286, MONDO:0009653, OMIM 252650.

gnomAD v4.1: 2 of 1,614,096 alleles (0.00012%); highest among the groups gnomAD compares: East Asian, 0.0022%; no homozygotes.

Submission:

Labcorp Genetics (formerly Invitae), Labcorp
Classification: Uncertain significance for Mucolipidosis type IV. Last evaluated: 2025-06-15. Review status: criteria provided, single submitter. Criteria: Invitae Variant Classification Sherloc (09022015). Collection method: clinical testing. Allele origin: germline.
Comment: This sequence change replaces arginine, which is basic and polar, with leucine, which is neutral and non-polar, at codon 236 of the MCOLN1 protein (p.Arg236Leu). This variant is not present in population databases (gnomAD no frequency). This variant has not been reported in the literature in individuals affected with MCOLN1-related conditions. Invitae Evidence Modeling of protein sequence and biophysical properties (such as structural, functional, and spatial information, amino acid conservation, physicochemical variation, residue mobility, and thermodynamic stability) indicates that this missense variant is not expected to disrupt MCOLN1 protein function with a negative predictive value of 95%. In summary, the available evidence is currently insufficient to determine the role of this variant in disease. Therefore, it has been classified as a Variant of Uncertain Significance.